The following is an entry in ClinVar:

NM_148960.3(CLDN19):c.392T>G (p.Leu131Arg)

Gene: CLDN19 (claudin 19; minus strand). Cytogenetic location: 1p34.2.
Variant type: single nucleotide variant.
Coding change: c.392T>G on transcript NM_148960.3 (MANE Select); coding-DNA position 392, T replaced by G.
Protein change: p.Leu131Arg; replaces leucine 131 with arginine.
Molecular consequence: missense variant. On other transcripts: intron variant (1).
Genome position (GRCh38, 1-based): chr1:42,738,310, A>C on the plus strand (T>G on the coding strand, the complement: CLDN19 is on the minus strand). VCF-style: chr1-42738310-A-C. GRCh37 (hg19) VCF-style: chr1-43203981-A-C.
Other names: c.392T>G, p.Leu131Arg (NM_001123395.2); c.388+111T>G (NM_001185117.2); short protein forms L131R.
Identifiers: ClinVar variation 4074278 (VCV004074278.1).

ClinVar aggregate classification (germline): Likely pathogenic (1 of 4 stars; one submission).

Conditions:
Renal hypomagnesemia 5 with ocular involvement. Also called: HYPOMAGNESEMIA 5, RENAL, WITH OR WITHOUT OCULAR INVOLVEMENT; FHHNC WITH SEVERE OCULAR INVOLVEMENT; HYPOMAGNESEMIA, FAMILIAL, WITH HYPERCALCIURIA, NEPHROCALCINOSIS, AND SEVERE OCULAR INVOLVEMENT; MACULAR COLOBOMA, BILATERAL, WITH HYPERCALCIURIA. Identifiers: Orphanet 2196, MedGen C4721891, MONDO:0009548, OMIM 248190.

Submission:

Rare Kidney Stone Consortium and the Mayo Clinic Hyperoxaluria Center, Mayo Clinic
Classification: Likely pathogenic for Renal hypomagnesemia 5 with ocular involvement. Last evaluated: 2025-05-01. Review status: criteria provided, single submitter. Criteria: ACMG Guidelines, 2015. Collection method: research. Allele origin: germline. Affected: yes.
Comment: ACMG: PM1, PM2, PM3,PP2, PP3, PP4

homozygote

Literature cited by the submitters: PubMed 34805638.